The following is an entry in ClinVar:

NM_003907.3(EIF2B5):c.2065G>A (p.Asp689Asn)

Gene: EIF2B5 (eukaryotic translation initiation factor 2B subunit epsilon; plus strand). Cytogenetic location: 3q27.1.
Variant type: single nucleotide variant.
Coding change: c.2065G>A on transcript NM_003907.3 (MANE Select); coding-DNA position 2065, G replaced by A.
Protein change: p.Asp689Asn; replaces aspartic acid 689 with asparagine.
Molecular consequence: missense variant.
Genome position (GRCh38, 1-based): chr3:184,144,666, G>A. VCF-style: chr3-184144666-G-A. GRCh37 (hg19) VCF-style: chr3-183862454-G-A.
Other names: short protein forms D689N.
Identifiers: ClinVar variation 2584982 (VCV002584982.1), dbSNP rs748367036, ClinGen allele CA355395716.

ClinVar aggregate classification (germline): Uncertain significance (1 of 4 stars; one submission).

Conditions:
Leukoencephalopathy with vanishing white matter 1 (VWM1). Also called: CHILDHOOD ATAXIA WITH CENTRAL NERVOUS SYSTEM HYPOMYELINIZATION; Cree leukoencephalopathy; Vanishing white matter leukodystrophy; EIF2B1-Related Childhood Ataxia with Central Nervous System Hypomyelination/Vanishing White Matter. Identifiers: Orphanet 99854, MedGen C5779972, MONDO:0020507, OMIM 603896.

gnomAD v4.1: 2 of 1,614,144 alleles (0.00012%); highest among the groups gnomAD compares: South Asian, 0.0011%; no homozygotes.

Submission:

Neuberg Centre For Genomic Medicine, NCGM
Classification: Uncertain significance for Leukoencephalopathy with vanishing white matter 1. Review status: criteria provided, single submitter. Criteria: ACMG Guidelines, 2015. Collection method: clinical testing. Allele origin: germline. Inheritance: Autosomal recessive inheritance. Affected: yes.
Comment: The c.2065G>A (p.Asp689Asn) missense variant in EIF2B5 gene has not been reported previously as a pathogenic variant nor as a benign variant, to our knowledge. The p.Asp689Asn variant is novel (not in any individuals) in gnomAD Exomes and 1000 Genomes. The amino acid Asp at position 689 is changed to a Asn changing protein sequence and it might alter its composition and physicochemical properties. The amino acid change p.Asp689Asn in EIF2B5 is predicted as conserved by GERP++ and PhyloP across 100 vertebrates. For these reasons, this variant has been classified as Variant of Uncertain Significance (VUS). In the absence of another reportable variant the molecular diagnosis is not confirmed.